The following is an entry in ClinVar:

ClinVar aggregate classification (germline): Uncertain significance. Review status: criteria provided, multiple submitters, no conflicts (2 of 4 stars). 2 submissions from 2 submitters: Uncertain significance (2). Last evaluated 2024-10-17.

Conditions:
Inborn genetic diseases. Identifiers: MedGen C0950123, MeSH D030342.

Allele frequency attached by ClinVar (database versions not stated): TOPMed 0.00001; gnomAD 0.00001; gnomAD exomes 0.00001.
gnomAD v4.1: 13 of 1,611,000 alleles (0.00081%); highest among the groups gnomAD compares: South Asian, 0.0033%; no homozygotes.

Submissions (2):

Ambry Genetics
Classification: Uncertain significance for Inborn genetic diseases. Last evaluated: 2024-10-17. Review status: criteria provided, single submitter. Criteria: Ambry Variant Classification Scheme 2023. Collection method: clinical testing. Allele origin: germline.

Labcorp Genetics (formerly Invitae), Labcorp
Classification: Uncertain significance. Last evaluated: 2021-12-01. Review status: criteria provided, single submitter. Criteria: Invitae Variant Classification Sherloc (09022015). Collection method: clinical testing. Allele origin: germline.
Comment: In summary, the available evidence is currently insufficient to determine the role of this variant in disease. Therefore, it has been classified as a Variant of Uncertain Significance. Algorithms developed to predict the effect of missense changes on protein structure and function are either unavailable or do not agree on the potential impact of this missense change (SIFT: "Not Available"; PolyPhen-2: "Benign"; Align-GVGD: "Not Available"). This variant has not been reported in the literature in individuals affected with PDSS1-related conditions. This variant is present in population databases (no rsID available, gnomAD 0.006%). This sequence change replaces glycine, which is neutral and non-polar, with serine, which is neutral and polar, at codon 99 of the PDSS1 protein (p.Gly99Ser).

NM_014317.5(PDSS1):c.295G>A (p.Gly99Ser)

Gene: PDSS1 (decaprenyl diphosphate synthase subunit 1; plus strand). Cytogenetic location: 10p12.1.
Variant type: single nucleotide variant.
Coding change: c.295G>A on transcript NM_014317.5 (MANE Select); coding-DNA position 295, G replaced by A.
Protein change: p.Gly99Ser; replaces glycine 99 with serine.
Molecular consequence: missense variant. On other transcripts: 5 prime UTR variant (1).
Genome position (GRCh38, 1-based): chr10:26,705,353, G>A. VCF-style: chr10-26705353-G-A. GRCh37 (hg19) VCF-style: chr10-26994282-G-A.
Other names: c.295G>A, p.Gly99Ser (NM_001321978.2); c.-299G>A (NM_001321979.2); c.295G>A (NM_014317.3); short protein forms G99S.
Identifiers: ClinVar variation 1523777 (VCV001523777.7), dbSNP rs1397668460, ClinGen allele CA376490154.
Genomic context (GRCh38, chr10:26,705,353, plus strand): 5'-CACACAACCCCAGACAGTAAAACACACAGTGGTGAAAAATACACCGATCCTTTCAAACTC[G>A]GTTGGAGAGACTTGAAAGGTCTGTATGAGGACATTAGAAAGGTGAGTTTTTTATTCTGCT-3'
Protein context (NP_055132.2, residues 89-109): GEKYTDPFKL[Gly99Ser]WRDLKGLYED